The following is an entry in ClinVar:

NM_002470.4(MYH3):c.1708G>A (p.Val570Ile)

Gene: MYH3 (myosin heavy chain 3; minus strand). Cytogenetic location: 17p13.1.
Variant type: single nucleotide variant.
Coding change: c.1708G>A on transcript NM_002470.4 (MANE Select); coding-DNA position 1708, G replaced by A.
Protein change: p.Val570Ile; replaces valine 570 with isoleucine.
Molecular consequence: missense variant.
Genome position (GRCh38, 1-based): chr17:10,642,597, C>T on the plus strand (G>A on the coding strand, the complement: MYH3 is on the minus strand). VCF-style: chr17-10642597-C-T. GRCh37 (hg19) VCF-style: chr17-10545914-C-T.
Other names: short protein forms V570I.
Identifiers: ClinVar variation 2001906 (VCV002001906.4), dbSNP rs1186863404, ClinGen allele CA398171558.

ClinVar aggregate classification (germline): Uncertain significance (1 of 4 stars; one submission).

Allele frequency attached by ClinVar (database versions not stated): gnomAD exomes below 0.00001.
gnomAD v4.1: 1 of 1,614,222 alleles (0.000062%); highest among the groups gnomAD compares: Admixed American, 0.0017%; no homozygotes.

Submission:

Labcorp Genetics (formerly Invitae), Labcorp
Classification: Uncertain significance. Last evaluated: 2025-01-29. Review status: criteria provided, single submitter. Criteria: Invitae Variant Classification Sherloc (09022015). Collection method: clinical testing. Allele origin: germline.
Comment: This sequence change replaces valine, which is neutral and non-polar, with isoleucine, which is neutral and non-polar, at codon 570 of the MYH3 protein (p.Val570Ile). This variant is present in population databases (no rsID available, gnomAD 0.003%). This variant has not been reported in the literature in individuals affected with MYH3-related conditions. ClinVar contains an entry for this variant (Variation ID: 2001906). Invitae Evidence Modeling of protein sequence and biophysical properties (such as structural, functional, and spatial information, amino acid conservation, physicochemical variation, residue mobility, and thermodynamic stability) indicates that this missense variant is not expected to disrupt MYH3 protein function with a negative predictive value of 95%. In summary, the available evidence is currently insufficient to determine the role of this variant in disease. Therefore, it has been classified as a Variant of Uncertain Significance.